The following is an entry in ClinVar:

ClinVar aggregate classification (germline): Uncertain significance (1 of 4 stars; one submission).

Conditions:
Familial adenomatous polyposis 1 (FAP1). Also called: FAMILIAL ADENOMATOUS POLYPOSIS 1, ATTENUATED; POLYPOSIS, ADENOMATOUS INTESTINAL. Identifiers: MedGen C2713442, MONDO:0021056, OMIM 175100. Disease mechanism: loss of function.

Submission:

Labcorp Genetics (formerly Invitae), Labcorp
Classification: Uncertain significance for Familial adenomatous polyposis 1. Last evaluated: 2025-06-24. Review status: criteria provided, single submitter. Criteria: Invitae Variant Classification Sherloc (09022015). Collection method: clinical testing. Allele origin: germline.
Comment: This variant occurs in a non-coding region of the APC gene. It does not change the encoded amino acid sequence of the APC protein. This variant is not present in population databases (gnomAD no frequency). This variant has not been reported in the literature in individuals affected with APC-related conditions. ClinVar contains an entry for this variant (Variation ID: 537664). Experimental studies and prediction algorithms are not available or were not evaluated, and the functional significance of this variant is currently unknown. In summary, the available evidence is currently insufficient to determine the role of this variant in disease. Therefore, it has been classified as a Variant of Uncertain Significance.

NC_000005.10:g.112707359G>T

Gene: APC (APC regulator of Wnt signaling pathway; plus strand). Cytogenetic location: 5q22.2.
Variant type: single nucleotide variant.
Genome position: GRCh38 VCF-style: chr5-112707359-G-T. GRCh37 (hg19) VCF-style: chr5-112043056-G-T.
Identifiers: ClinVar variation 537664 (VCV000537664.7), dbSNP rs560366894, ClinGen allele CA658796587.
Genomic context (GRCh38, chr5:112,707,359, plus strand): 5'-TCTATTAACTGGGCTGCAGCACAATTCAGAGAAGGCCAGTAAGTGCTGCAACTGAGACTC[G>T]GCTGCCTAGGCAGCAATGGCTCACGGGACAGAACAGCGAAGCAGTGCCCGGCAAGCGGAG-3'